The following is an entry in ClinVar:

ClinVar aggregate classification (germline): Uncertain significance. Review status: criteria provided, multiple submitters, no conflicts (2 of 4 stars). 3 submissions from 3 submitters: Uncertain significance (3). Last evaluated 2024-04-24.

Conditions:
Developmental and epileptic encephalopathy, 42 (DEE42A). Also called: DEVELOPMENTAL AND EPILEPTIC ENCEPHALOPATHY 42A; EPILEPTIC ENCEPHALOPATHY, EARLY INFANTILE, 42A; Epileptic encephalopathy, early infantile, 42. Identifiers: MedGen C4310716, MONDO:0014917, OMIM 617106.
Episodic ataxia type 2 (EA2). Also called: ACETAZOLAMIDE-RESPONSIVE HEREDITARY PAROXYSMAL CEREBELLAR ATAXIA; ATAXIA, EPISODIC, WITH NYSTAGMUS; ATAXIA, FAMILIAL PAROXYSMAL; CEREBELLAR ATAXIA, PAROXYSMAL, ACETAZOLAMIDE-RESPONSIVE; CEREBELLOPATHY, HEREDITARY PAROXYSMAL; EPISODIC ATAXIA, NYSTAGMUS-ASSOCIATED. Identifiers: Orphanet 97, MedGen C1720416, MONDO:0007163, OMIM 108500.
Inborn genetic diseases. Identifiers: MedGen C0950123, MeSH D030342.

gnomAD v4.1: 2 of 1,613,890 alleles (0.00012%); highest among the groups gnomAD compares: South Asian, 0.0011%; no homozygotes.

Submissions (3):

GeneDx
Classification: Uncertain significance. Last evaluated: 2024-04-24. Review status: criteria provided, single submitter. Criteria: GeneDx Variant Classification Process June 2021. Collection method: clinical testing. Allele origin: germline. Affected: yes.
Comment: Not observed at significant frequency in large population cohorts (gnomAD); In silico analysis supports that this missense variant has a deleterious effect on protein structure/function; Has not been previously published as pathogenic or benign to our knowledge

Labcorp Genetics (formerly Invitae), Labcorp
Classification: Uncertain significance for Developmental and epileptic encephalopathy, 42; Episodic ataxia type 2. Last evaluated: 2023-12-01. Review status: criteria provided, single submitter. Criteria: Invitae Variant Classification Sherloc (09022015). Collection method: clinical testing. Allele origin: germline.
Comment: This sequence change replaces valine, which is neutral and non-polar, with methionine, which is neutral and non-polar, at codon 1563 of the CACNA1A protein (p.Val1563Met). This variant is not present in population databases (gnomAD no frequency). This variant has not been reported in the literature in individuals affected with CACNA1A-related conditions. ClinVar contains an entry for this variant (Variation ID: 588581). Advanced modeling of protein sequence and biophysical properties (such as structural, functional, and spatial information, amino acid conservation, physicochemical variation, residue mobility, and thermodynamic stability) performed at Invitae indicates that this missense variant is expected to disrupt CACNA1A protein function with a positive predictive value of 95%. In summary, the available evidence is currently insufficient to determine the role of this variant in disease. Therefore, it has been classified as a Variant of Uncertain Significance.

Ambry Genetics
Classification: Uncertain significance for Inborn genetic diseases. Last evaluated: 2016-12-20. Review status: criteria provided, single submitter. Criteria: Ambry Variant Classification Scheme 2023. Collection method: clinical testing. Allele origin: germline.
Comment: The p.V1563M variant (also known as c.4687G>A), located in coding exon 29 of the CACNA1A gene, results from a G to A substitution at nucleotide position 4687. The valine at codon 1563 is replaced by methionine, an amino acid with highly similar properties. This amino acid position is highly conserved in available vertebrate species. In addition, this alteration is predicted to be deleterious by in silico analysis. Since supporting evidence is limited at this time, the clinical significance of this alteration remains unclear.

NM_001127222.2(CACNA1A):c.4684G>A (p.Val1562Met)

Gene: CACNA1A (calcium voltage-gated channel subunit alpha1 A; minus strand). Cytogenetic location: 19p13.13.
Variant type: single nucleotide variant.
Coding change: c.4684G>A on transcript NM_001127222.2 (MANE Select); coding-DNA position 4684, G replaced by A.
Protein change: p.Val1562Met; replaces valine 1562 with methionine.
Molecular consequence: missense variant.
Genome position (GRCh38, 1-based): chr19:13,255,166, C>T on the plus strand (G>A on the coding strand, the complement: CACNA1A is on the minus strand). VCF-style: chr19-13255166-C-T. GRCh37 (hg19) VCF-style: chr19-13365980-C-T.
Other names: c.4696G>A, p.Val1566Met (NM_000068.4, NM_023035.3); c.4687G>A, p.Val1563Met (NM_001127221.2, NM_001174080.2); short protein forms V1563M, V1566M, V1562M.
Identifiers: ClinVar variation 588581 (VCV000588581.9), dbSNP rs1568465560, ClinGen allele CA404338474.